The following is an entry in ClinVar:

ClinVar aggregate classification (germline): Uncertain significance. Review status: criteria provided, multiple submitters, no conflicts (2 of 4 stars). 2 submissions from 2 submitters: Uncertain significance (2). Last evaluated 2023-10-17.

Conditions:
Myopathy with tubular aggregates (TAM). Also called: Tubular Aggregate Myopathy. Identifiers: Orphanet 2593, MedGen C0410207, MONDO:0008051.
Combined immunodeficiency due to STIM1 deficiency. Also called: STIM1 DEFICIENCY; IMMUNODEFICIENCY 10. Identifiers: Orphanet 169090, Orphanet 317430, MedGen C2748557, MONDO:0013008, OMIM 612783.
Stormorken syndrome (STRMK). Also called: THROMBOCYTOPATHY, ASPLENIA, AND MIOSIS. Identifiers: Orphanet 3204, MedGen C1861451, MONDO:0008497, OMIM 185070.
Inborn genetic diseases. Identifiers: MedGen C0950123, MeSH D030342.

Submissions (2):

Ambry Genetics
Classification: Uncertain significance for Inborn genetic diseases. Last evaluated: 2023-10-17. Review status: criteria provided, single submitter. Criteria: Ambry Variant Classification Scheme 2023. Collection method: clinical testing. Allele origin: germline.

Labcorp Genetics (formerly Invitae), Labcorp
Classification: Uncertain significance for Myopathy with tubular aggregates; Combined immunodeficiency due to STIM1 deficiency; Stormorken syndrome. Last evaluated: 2022-08-13. Review status: criteria provided, single submitter. Criteria: Invitae Variant Classification Sherloc (09022015). Collection method: clinical testing. Allele origin: germline.
Comment: In summary, the available evidence is currently insufficient to determine the role of this variant in disease. Therefore, it has been classified as a Variant of Uncertain Significance. Algorithms developed to predict the effect of missense changes on protein structure and function are either unavailable or do not agree on the potential impact of this missense change (SIFT: "Tolerated"; PolyPhen-2: "Possibly Damaging"; Align-GVGD: "Class C0"). This variant has not been reported in the literature in individuals affected with STIM1-related conditions. This variant is not present in population databases (gnomAD no frequency). This sequence change replaces aspartic acid, which is acidic and polar, with glycine, which is neutral and non-polar, at codon 479 of the STIM1 protein (p.Asp479Gly).

NM_001382567.1(STIM1):c.1436A>G (p.Asp479Gly)

Gene: STIM1 (stromal interaction molecule 1; plus strand). Cytogenetic location: 11p15.4.
Variant type: single nucleotide variant.
Coding change: c.1436A>G on transcript NM_001382567.1 (MANE Select); coding-DNA position 1436, A replaced by G.
Protein change: p.Asp479Gly; replaces aspartic acid 479 with glycine.
Molecular consequence: missense variant. On other transcripts: non-coding transcript variant (2).
Genome position (GRCh38, 1-based): chr11:4,083,460, A>G. VCF-style: chr11-4083460-A-G. GRCh37 (hg19) VCF-style: chr11-4104690-A-G.
Other names: c.1457A>G, p.Asp486Gly (NM_001382568.1); c.1301A>G, p.Asp434Gly (NM_001382569.1); c.1208A>G, p.Asp403Gly (NM_001382570.1); c.956A>G, p.Asp319Gly (NM_001382571.1); c.1214A>G, p.Asp405Gly (NM_001382573.1, NM_001382575.1, NM_001382576.1 and 4 more transcripts); c.947A>G, p.Asp316Gly (NM_001382580.1, NM_001382581.1); c.1436A>G, p.Asp479Gly (NM_003156.4, NM_001277961.3, NM_001277962.2); short protein forms D405G, D316G, D319G, D479G, D403G, D486G, D434G.
Identifiers: ClinVar variation 2182307 (VCV002182307.5), dbSNP rs2498479078, ClinGen allele CA379194465.